The following is an entry in ClinVar:

NM_014334.4(FRRS1L):c.-62C>T

Gene: FRRS1L (ferric chelate reductase 1 like; minus strand). Cytogenetic location: 9q31.3.
Variant type: single nucleotide variant.
Coding change: c.-62C>T on transcript NM_014334.4 (MANE Select); 62 bases upstream of the start codon, C replaced by T.
Molecular consequence: 5 prime UTR variant.
Genome position (GRCh38, 1-based): chr9:109,167,200, G>A on the plus strand (C>T on the coding strand, the complement: FRRS1L is on the minus strand). VCF-style: chr9-109167200-G-A. GRCh37 (hg19) VCF-style: chr9-111929480-G-A.
Identifiers: ClinVar variation 954556 (VCV000954556.8), dbSNP rs1032600216, ClinGen allele CA197585134.

ClinVar aggregate classification (germline): Uncertain significance (1 of 4 stars; one submission).

Conditions:
Developmental and epileptic encephalopathy, 37 (DEE37). Also called: Epileptic encephalopathy, early infantile, 37. Identifiers: MedGen C4310770, MONDO:0014859, OMIM 616981.

Allele frequency attached by ClinVar (database versions not stated): TOPMed below 0.00001; gnomAD 0.00001; gnomAD exomes 0.00008.
gnomAD v4.1: 92 of 1,253,212 alleles (0.0073%); highest among the groups gnomAD compares: Non-Finnish European, 0.0091%; no homozygotes.

Submission:

Labcorp Genetics (formerly Invitae), Labcorp
Classification: Uncertain significance for Developmental and epileptic encephalopathy, 37. Last evaluated: 2021-12-01. Review status: criteria provided, single submitter. Criteria: Invitae Variant Classification Sherloc (09022015). Collection method: clinical testing. Allele origin: germline.
Comment: This variant has not been reported in the literature in individuals affected with FRRS1L-related conditions. The frequency data for this variant in the population databases is considered unreliable, as metrics indicate insufficient coverage at this position in the gnomAD database. This sequence change replaces alanine, which is neutral and non-polar, with valine, which is neutral and non-polar, at codon 31 of the FRRS1L protein (p.Ala31Val). ClinVar contains an entry for this variant (Variation ID: 954556). In summary, the available evidence is currently insufficient to determine the role of this variant in disease. Therefore, it has been classified as a Variant of Uncertain Significance. Algorithms developed to predict the effect of sequence changes on RNA splicing suggest that this variant may create or strengthen a splice site. Algorithms developed to predict the effect of missense changes on protein structure and function are either unavailable or do not agree on the potential impact of this missense change (SIFT: "Deleterious"; PolyPhen-2: "Not Available"; Align-GVGD: "Class C0").